The following is an entry in ClinVar:

ClinVar aggregate classification (germline): Uncertain significance (1 of 4 stars; one submission).

Submission:

GeneDx
Classification: Uncertain significance. Last evaluated: 2025-08-12. Review status: criteria provided, single submitter. Criteria: GeneDx Variant Classification Process June 2021. Collection method: clinical testing. Allele origin: germline. Affected: yes.
Comment: Not observed at significant frequency in large population cohorts (gnomAD); In silico analysis supports that this missense variant has a deleterious effect on protein structure/function; Has not been previously published as pathogenic or benign to our knowledge

NM_005324.5(H3-3B):c.74C>T (p.Ala25Val)

Gene: H3-3B (H3.3 histone B; minus strand). Cytogenetic location: 17q25.1.
Variant type: single nucleotide variant.
Coding change: c.74C>T on transcript NM_005324.5 (MANE Select); coding-DNA position 74, C replaced by T.
Protein change: p.Ala25Val; replaces alanine 25 with valine.
Molecular consequence: missense variant.
Genome position (GRCh38, 1-based): chr17:75,779,101, G>A on the plus strand (C>T on the coding strand, the complement: H3-3B is on the minus strand). VCF-style: chr17-75779101-G-A. GRCh37 (hg19) VCF-style: chr17-73775182-G-A.
Other names: short protein forms A25V.
Identifiers: ClinVar variation 4795636 (VCV004795636.1).